The following is an entry in ClinVar:

NM_000350.3(ABCA4):c.286A>G (p.Asn96Asp)

Gene: ABCA4 (ATP binding cassette subfamily A member 4; minus strand). Cytogenetic location: 1p22.1.
Variant type: single nucleotide variant.
Coding change: c.286A>G on transcript NM_000350.3 (MANE Select); coding-DNA position 286, A replaced by G.
Protein change: p.Asn96Asp; replaces asparagine 96 with aspartic acid.
Molecular consequence: missense variant.
Genome position (GRCh38, 1-based): chr1:94,111,454, T>C on the plus strand (A>G on the coding strand, the complement: ABCA4 is on the minus strand). VCF-style: chr1-94111454-T-C. GRCh37 (hg19) VCF-style: chr1-94577010-T-C.
Other names: c.286A>G, p.Asn96Asp (NM_001425324.1); short protein forms N96D.
Identifiers: ClinVar variation 99166 (VCV000099166.61), dbSNP rs61748529, ClinGen allele CA227042.

ClinVar aggregate classification (germline): Pathogenic/Likely pathogenic. Review status: criteria provided, multiple submitters, no conflicts (2 of 4 stars). 15 submissions from 15 submitters: Pathogenic (9); Likely pathogenic (2). 4 of the submissions do not count toward it. Last evaluated 2026-10-06.

Conditions:
ABCA4-related disorder. Also called: ABCA4-related condition; ABCA4-related disorders. Identifiers: MedGen CN239167.
Retinal dystrophy. Also called: Inherited retinal dystrophy. Identifiers: Orphanet 71862, MedGen C0854723, MeSH D058499, MONDO:0019118, HP:0000556.
Severe early-childhood-onset retinal dystrophy (STGD1). Also called: MACULAR DYSTROPHY WITH FLECKS, TYPE 1; STGD; Stargardt macular dystrophy; Juvenile onset macular degeneration; Stargardt disease 1. Identifiers: Orphanet 364055, Orphanet 827, MedGen C1855465, MeSH D000080362, MONDO:0009549, OMIM 248200.
Cone-rod dystrophy 3 (CORD3). Identifiers: Orphanet 1872, MedGen C1858806, MONDO:0011395, OMIM 604116.
Age related macular degeneration 2. Also called: MACULAR DEGENERATION, SENILE; MACULOPATHY, AGE-RELATED, 2; MACULOPATHY, AGE-RELATED. Identifiers: MedGen C3495438, MONDO:0007932, OMIM 153800.
Retinitis pigmentosa 19 (RP19). Also called: ABCA4-Related Retinitis Pigmentosa. Identifiers: Orphanet 791, MedGen C1866422, MONDO:0011137, OMIM 601718.

Allele frequency attached by ClinVar (database versions not stated): TOPMed 0.00001; ExAC 0.00003; ESP Exome Variant Server 0.00008.
gnomAD v4.1: 10 of 1,613,962 alleles (0.00062%); highest among the groups gnomAD compares: Middle Eastern, 0.016%; no homozygotes.

Submissions (15):

Institute of Medical Genetics and Applied Genomics, University Hospital Tübingen
Classification: Pathogenic for Cone-rod dystrophy 3. Last evaluated: 2026-10-06. Review status: criteria provided, single submitter. Criteria: ACMG Guidelines, 2015. Collection method: clinical testing. Allele origin: germline. Inheritance: Autosomal recessive inheritance. Affected: yes.

Research Institute for Ophthalmology and Vision Science, Shahid Beheshti University of Medical Sciences
Classification: Pathogenic for Severe early-childhood-onset retinal dystrophy. Last evaluated: 2025-12-07. Review status: criteria provided, single submitter. Criteria: ACMG Guidelines, 2015. Collection method: research. Allele origin: inherited. Inheritance: Autosomal recessive inheritance. Affected: yes.
Comment: NM_000350.3(ABCA4):c.286A>G (p.Asn96Asp) has an extremely low frequency in gnomAD databases. It has been found in a homozygous state in patients and co-segregates with the disease in affected family members. Computational prediction tools identified it as deleterious. ABCA4 also shows a low rate of benign missense mutations. The variant is located in an exonic hotspot.

Labcorp Genetics (formerly Invitae), Labcorp
Classification: Pathogenic. Last evaluated: 2025-10-14. Review status: criteria provided, single submitter. Criteria: Invitae Variant Classification Sherloc (09022015). Collection method: clinical testing. Allele origin: germline.
Comment: This sequence change replaces asparagine, which is neutral and polar, with aspartic acid, which is acidic and polar, at codon 96 of the ABCA4 protein (p.Asn96Asp). This variant is present in population databases (rs61748529, gnomAD 0.003%). This missense change has been observed in individuals with Stargardt disease (PMID: 19365591, 28355279, 29925512, 30060493, 30093795). It has also been observed to segregate with disease in related individuals. ClinVar contains an entry for this variant (Variation ID: 99166). Invitae Evidence Modeling of protein sequence and biophysical properties (such as structural, functional, and spatial information, amino acid conservation, physicochemical variation, residue mobility, and thermodynamic stability) indicates that this missense variant is expected to disrupt ABCA4 protein function with a positive predictive value of 95%. For these reasons, this variant has been classified as Pathogenic.

PreventionGenetics, part of Exact Sciences
Classification: Pathogenic for ABCA4-related condition. Last evaluated: 2024-12-30. Review status: criteria provided, single submitter. Criteria: ACMG Guidelines, 2015. Collection method: clinical testing. Allele origin: germline.
Comment: The ABCA4 c.286A>G variant is predicted to result in the amino acid substitution p.Asn96Asp. This variant was previously reported, either in the homozygous state or in the heterozygous state along with a second probable causative variant, in individuals with ABCA4-related disease (see, for example, Duncker et al. 2014. PubMed ID: 25283059; supplementary data, Fujinami et al. 2018. PubMed ID: 29925512; Salles et al. 2018. PubMed ID: 30093795; supplementary data, Del Pozo-Valero et al. 2020. PubMed ID: 32619608; supplementary data, Lin et al. 2024. PubMed ID: 38219857). This variant was also reported in large cohorts of individuals with retinal disease (see, for example, Papaioannou et al. 2000. PubMed ID: 10634594; supplementary data, Holtan et al. 2019. PubMed ID: 31429209; supplementary data, Khan et al. 2020. PubMed ID: 32307445; supplementary data, Cornelis et al. 2022. PubMed ID: 35120629). In vitro functional studies indicates that this variant results in a decrease in activity (Curtis et al. 2020. PubMed ID: 32845050). This variant is reported in 0.0018% of alleles in individuals of European (Non-Finnish) descent in gnomAD. This variant is interpreted as pathogenic.

Fulgent Genetics
Classification: Pathogenic for Age related macular degeneration 2; Severe early-childhood-onset retinal dystrophy; Retinitis pigmentosa 19; Cone-rod dystrophy 3. Last evaluated: 2024-05-16. Review status: criteria provided, single submitter. Criteria: ACMG Guidelines, 2015. Collection method: clinical testing. Allele origin: germline.

Blueprint Genetics
Classification: Pathogenic for ABCA4-related disorders. Last evaluated: 2023-12-22. Review status: criteria provided, single submitter. Criteria: ACMG Guidelines, 2015. Collection method: clinical testing. Allele origin: germline. Affected: yes. Observed: 5 variant alleles.

Institute of Human Genetics, University of Leipzig Medical Center
Classification: Likely pathogenic for Severe early-childhood-onset retinal dystrophy. Last evaluated: 2021-07-02. Review status: criteria provided, single submitter. Criteria: ACMG Guidelines, 2015. Collection method: clinical testing. Allele origin: unknown. Affected: yes.
Comment: This variant was identified as compound heterozygous with NM_000350.3:c.666_678del.

Victorian Clinical Genetics Services, Murdoch Childrens Research Institute
Classification: Pathogenic for Severe early-childhood-onset retinal dystrophy. Last evaluated: 2021-05-06. Review status: criteria provided, single submitter. Criteria: ACMG Guidelines, 2015. Collection method: clinical testing. Allele origin: germline. Inheritance: Autosomal recessive inheritance.
Comment: Based on the classification scheme VCGS_Germline_v1.3.4, this variant is classified as Pathogenic. Following criteria are met: 0102 - Loss of function is a known mechanism of disease in this gene and is associated with retinal dystrophy, Stargardt disease 1 (MIM#248200) and cone-rod dystrophy (MIM#604116). (I) 0106 - This gene is associated with autosomal recessive disease. (I) 0115 - Variants in this gene are known to have variable expressivity. Affected siblings can have variable age of onset and severity of disease (PMID:31522899). 0200 - Variant is predicted to result in a missense amino acid change from asparagine to aspartic acid. (I) 0251 - This variant is heterozygous. (I) 0304 - Variant is present in gnomAD <0.01 for a recessive condition (v3) (3 heterozygotes, 0 homozygotes). (SP) 0309 - An alternative amino acid change p.(Asn96His) at the same position has been observed in gnomAD (v3) (1 heterozygote, 0 homozygotes). (I) 0501 - Missense variant consistently predicted to be damaging by multiple in silico tools or highly conserved with a major amino acid change. (SP) 0604 - Variant is not located in an established domain, motif, hotspot or informative constraint region. (I) 0801 - This variant has strong previous evidence of pathogenicity in unrelated individuals. This variant has previously been reported in both the homozygous and compound heterozygous state in at least 10 individuals with Stargardt disease (ClinVar; PMID: 19365591; 25444351; 30093795; 29625472; 30060493). (SP) Legend: (SP) - Supporting pathogenic, (I) - Information, (SB) - Supporting benign

Institute of Human Genetics, Univ. Regensburg, Univ. Regensburg
Classification: Likely pathogenic for Retinal dystrophy. Last evaluated: 2020-01-01. Review status: criteria provided, single submitter. Criteria: ACMG Guidelines, 2015. Collection method: clinical testing. Allele origin: germline. Affected: yes.

Mendelics
Classification: Pathogenic for Severe early-childhood-onset retinal dystrophy. Last evaluated: 2019-05-28. Review status: criteria provided, single submitter. Criteria: Mendelics Assertion Criteria 2017. Collection method: clinical testing. Allele origin: unknown.

CeGaT Center for Human Genetics Tuebingen
Classification: Pathogenic. Last evaluated: 2018-02-01. Review status: criteria provided, single submitter. Criteria: CeGaT Center For Human Genetics Tuebingen Variant Classification Criteria Version 2. Collection method: clinical testing. Allele origin: germline. Affected: yes. Observed: 1 variant allele.

Clinical Genetics, Academic Medical Center
Classification: Likely pathogenic. Review status: no assertion criteria provided. Collection method: clinical testing. Allele origin: germline. Affected: yes. Study: VKGL Data-share Consensus. Not counted in ClinVar's aggregate classification.

Genome Diagnostics Laboratory, Amsterdam University Medical Center
Classification: Likely pathogenic. Review status: no assertion criteria provided. Collection method: clinical testing. Allele origin: germline. Affected: yes. Study: VKGL Data-share Consensus. Not counted in ClinVar's aggregate classification.

Joint Genome Diagnostic Labs from Nijmegen and Maastricht, Radboudumc and MUMC+
Classification: Likely pathogenic. Review status: no assertion criteria provided. Collection method: clinical testing. Allele origin: germline. Affected: yes. Study: VKGL Data-share Consensus. Not counted in ClinVar's aggregate classification.

Retina International
No classification provided. Review status: no classification provided. Collection method: not provided. Allele origin: not provided. Not counted in ClinVar's aggregate classification.

Literature cited by the submitters: PubMed 19365591 (cited by 3 submitters); PubMed 28355279 (cited by Labcorp Genetics (formerly Invitae), Labcorp and Victorian Clinical Genetics Services, Murdoch Childrens Research Institute); PubMed 29925512 (cited by Labcorp Genetics (formerly Invitae), Labcorp and Institute of Human Genetics, Univ. Regensburg, Univ. Regensburg); PubMed 30060493 (cited by Labcorp Genetics (formerly Invitae), Labcorp and Victorian Clinical Genetics Services, Murdoch Childrens Research Institute); PubMed 30093795 (cited by 3 submitters); PubMed 25444351 (cited by Victorian Clinical Genetics Services, Murdoch Childrens Research Institute); PubMed 29625472 (cited by Victorian Clinical Genetics Services, Murdoch Childrens Research Institute); PubMed 31522899 (cited by Victorian Clinical Genetics Services, Murdoch Childrens Research Institute); PubMed 10634594 (cited by Institute of Human Genetics, Univ. Regensburg, Univ. Regensburg); PubMed 25283059 (cited by Institute of Human Genetics, Univ. Regensburg, Univ. Regensburg); PubMed 32845050 (cited by Institute of Human Genetics, Univ. Regensburg, Univ. Regensburg); PubMed 32619608 (cited by Institute of Human Genetics, Univ. Regensburg, Univ. Regensburg); PubMed 31429209 (cited by Institute of Human Genetics, Univ. Regensburg, Univ. Regensburg); PubMed 32307445 (cited by Institute of Human Genetics, Univ. Regensburg, Univ. Regensburg); PubMed 35119454 (cited by Institute of Human Genetics, Univ. Regensburg, Univ. Regensburg); PubMed 36460718 (cited by Institute of Human Genetics, Univ. Regensburg, Univ. Regensburg).